The following is an entry in ClinVar:

ClinVar aggregate classification (germline): Pathogenic (1 of 4 stars; one submission).

Conditions:
Osteogenesis imperfecta type I (OI1). Also called: Lobstein's Disease; Lobstein disease; OI, TYPE I; OSTEOGENESIS IMPERFECTA TARDA; OSTEOGENESIS IMPERFECTA WITH BLUE SCLERAE; Osteogenesis imperfecta type 1. Identifiers: Orphanet 216796, Orphanet 666, MedGen C0023931, MONDO:0008146, OMIM 166200. Disease mechanism: loss of function.

Submission:

Labcorp Genetics (formerly Invitae), Labcorp
Classification: Pathogenic for Osteogenesis imperfecta type I. Last evaluated: 2024-09-10. Review status: criteria provided, single submitter. Criteria: Invitae Variant Classification Sherloc (09022015). Collection method: clinical testing. Allele origin: germline.
Comment: This sequence change creates a premature translational stop signal (p.Ser1132Leufs*107) in the COL1A1 gene. It is expected to result in an absent or disrupted protein product. Loss-of-function variants in COL1A1 are known to be pathogenic (PMID: 7942841, 9295084, 9443882). This variant is not present in population databases (gnomAD no frequency). This variant has not been reported in the literature in individuals affected with COL1A1-related conditions. For these reasons, this variant has been classified as Pathogenic.

Literature cited by the submitters: PubMed 7942841; PubMed 9295084; PubMed 9443882.

NM_000088.4(COL1A1):c.3394del (p.Ser1132fs)

Gene: COL1A1 (collagen type I alpha 1 chain; minus strand). Cytogenetic location: 17q21.33.
Variant type: Deletion.
Coding change: c.3394del on transcript NM_000088.4 (MANE Select); coding-DNA position 3394, one base deleted (T; older notation c.3394delT).
Protein change: p.Ser1132fs; shifts the reading frame from serine 1132.
Molecular consequence: frameshift variant.
Genome position (GRCh38, 1-based): chr17:50,187,513, A deleted on the plus strand (T on the coding strand, the reverse complement: COL1A1 is on the minus strand). VCF-style (leftmost placement, unchanged base first): chr17-50187512-GA-G. GRCh37 (hg19) VCF-style: chr17-48264873-GA-G.
Other names: short protein forms S1132fs.
Identifiers: ClinVar variation 2696241 (VCV002696241.3), dbSNP rs2509169855, ClinGen allele CA2697560249.